The following is an entry in ClinVar:

ClinVar aggregate classification (germline): Pathogenic. Review status: criteria provided, multiple submitters, no conflicts (2 of 4 stars). 2 submissions from 2 submitters: Pathogenic (2). Last evaluated 2025-02-16.

Conditions:
Lipoic acid synthetase deficiency. Also called: HYPERGLYCINEMIA, LACTIC ACIDOSIS, AND SEIZURES. Identifiers: Orphanet 401859, MedGen C3280887, MONDO:0013762, OMIM 614462.

Submissions (2):

Laboratory of Genetics, Children's Clinical University Hospital Latvia
Classification: Pathogenic. Last evaluated: 2025-02-16. Review status: criteria provided, single submitter. Criteria: ACMG Guidelines, 2015. Collection method: clinical testing. Allele origin: germline. Affected: yes.

Labcorp Genetics (formerly Invitae), Labcorp
Classification: Pathogenic for Lipoic acid synthetase deficiency. Last evaluated: 2025-01-14. Review status: criteria provided, single submitter. Criteria: Invitae Variant Classification Sherloc (09022015). Collection method: clinical testing. Allele origin: germline.
Comment: This sequence change creates a premature translational stop signal (p.Glu37Glyfs*16) in the LIAS gene. It is expected to result in an absent or disrupted protein product. Loss-of-function variants in LIAS are known to be pathogenic (PMID: 24334290, 27923773). The frequency data for this variant in the population databases is considered unreliable, as metrics indicate poor data quality at this position in the gnomAD database. This variant has not been reported in the literature in individuals affected with LIAS-related conditions. ClinVar contains an entry for this variant (Variation ID: 2165560). For these reasons, this variant has been classified as Pathogenic.

Literature cited by the submitters: PubMed 24334290 (cited by Labcorp Genetics (formerly Invitae), Labcorp); PubMed 27923773 (cited by Labcorp Genetics (formerly Invitae), Labcorp).

NM_006859.4(LIAS):c.107dup (p.Glu37fs)

Gene: LIAS (lipoic acid synthetase; plus strand). Cytogenetic location: 4p14.
Variant type: Duplication.
Coding change: c.107dup on transcript NM_006859.4 (MANE Select); coding-DNA position 107, one base duplicated (A; older notation c.107dupA).
Protein change: p.Glu37fs; shifts the reading frame from glutamic acid 37.
Molecular consequence: frameshift variant.
Genome position (GRCh38, 1-based): chr4:39,460,851, A duplicated; the last of 8 consecutive A bases (chr4:39,460,844-39,460,851); duplicating any one gives the same sequence. VCF-style (leftmost placement, unchanged base first): chr4-39460843-T-TA. GRCh37 (hg19) VCF-style: chr4-39462463-T-TA.
Other names: c.107dup, p.Glu37fs (NM_001278590.2, NM_001278591.2, NM_001278592.2 and 2 more transcripts); short protein forms E37fs.
Identifiers: ClinVar variation 2165560 (VCV002165560.5), dbSNP rs748571616, ClinGen allele CA2894579.
Genomic context (GRCh38, chr4:39,460,843, plus strand): 5'-TCTTTAGGTATTTGGGAGATATTTTTGCAGCCCAGTCAGACCGTTAAGCTCCTTGCCAGA[T>TA]AAAAAAAAGGAACTCCTACAGAATGGACCAGACCTTCAAGATTTTGTATCTGGTGATCTT-3'